The following is an entry in ClinVar:

NM_001003800.2(BICD2):c.2259-206C>A

Gene: BICD2 (BICD cargo adaptor 2; minus strand). Cytogenetic location: 9q22.31.
Variant type: single nucleotide variant.
Coding change: c.2259-206C>A on transcript NM_001003800.2 (MANE Select); 206 bases into the intron before coding-DNA position 2259, C replaced by A.
Molecular consequence: intron variant.
Genome position (GRCh38, 1-based): chr9:92,715,669, G>T on the plus strand (C>A on the coding strand, the complement: BICD2 is on the minus strand). VCF-style: chr9-92715669-G-T. GRCh37 (hg19) VCF-style: chr9-95477951-G-T.
Other names: c.2259-206C>A (NM_015250.4).
Identifiers: ClinVar variation 678245 (VCV000678245.1), dbSNP rs10992430, ClinGen allele CA15619530.

ClinVar aggregate classification (germline): Benign (1 of 4 stars; one submission).

Allele frequency attached by ClinVar (database versions not stated): gnomAD 0.26148 and 0.27658; TOPMed 0.27913; 1000 Genomes Project 30x 0.38788; 1000 Genomes Project 0.40016.
gnomAD v4.1: 42,108 of 152,170 alleles (28%); highest among the groups gnomAD compares: East Asian, 76%; 6,919 homozygotes.

Submission:

GeneDx
Classification: Benign. Last evaluated: 2018-06-18. Review status: criteria provided, single submitter. Criteria: GeneDx Variant Classification (06012015). Collection method: clinical testing. Allele origin: germline. Affected: yes.
Comment: This variant is considered likely benign or benign based on one or more of the following criteria: it is a conservative change, it occurs at a poorly conserved position in the protein, it is predicted to be benign by multiple in silico algorithms, and/or has population frequency not consistent with disease.